The following is an entry in ClinVar:

ClinVar aggregate classification (germline): Uncertain significance. Review status: criteria provided, multiple submitters, no conflicts (2 of 4 stars). 3 submissions from 3 submitters: Uncertain significance (3). Last evaluated 2025-09-11.

Conditions:
Hereditary cancer-predisposing syndrome. Also called: Tumor predisposition; Hereditary neoplastic syndrome; Hereditary Cancer Syndrome; Neoplastic Syndromes, Hereditary. Identifiers: Orphanet 140162, MedGen C0027672, MeSH D009386, MONDO:0015356.
Hereditary nonpolyposis colorectal neoplasms. Identifiers: MedGen C0009405, MeSH D003123.

Submissions (3):

Labcorp Genetics (formerly Invitae), Labcorp
Classification: Uncertain significance for Hereditary nonpolyposis colorectal neoplasms. Last evaluated: 2025-09-11. Review status: criteria provided, single submitter. Criteria: Invitae Variant Classification Sherloc (09022015). Collection method: clinical testing. Allele origin: germline.
Comment: This sequence change replaces serine, which is neutral and polar, with asparagine, which is neutral and polar, at codon 8 of the PMS2 protein (p.Ser8Asn). This variant also falls at the last nucleotide of exon 1, which is part of the consensus splice site for this exon. This variant is not present in population databases (gnomAD no frequency). This variant has not been reported in the literature in individuals affected with PMS2-related conditions. ClinVar contains an entry for this variant (Variation ID: 577109). An algorithm developed to predict the effect of missense changes on protein structure and function (PolyPhen-2) suggests that this variant is likely to be tolerated. Variants that disrupt the consensus splice site are a relatively common cause of aberrant splicing (PMID: 17576681, 9536098). Algorithms developed to predict the effect of sequence changes on RNA splicing suggest that this variant may disrupt the consensus splice site. In summary, the available evidence is currently insufficient to determine the role of this variant in disease. Therefore, it has been classified as a Variant of Uncertain Significance.

Ambry Genetics
Classification: Uncertain significance for Hereditary cancer-predisposing syndrome. Last evaluated: 2024-04-09. Review status: criteria provided, single submitter. Criteria: Ambry Variant Classification Scheme 2023. Collection method: clinical testing. Allele origin: germline.
Comment: The p.S8N variant (also known as c.23G>A), located in coding exon 1 of the PMS2 gene, results from a G to A substitution at nucleotide position 23. The amino acid change results in serine to asparagine at codon 8, an amino acid with highly similar properties. However, this change occurs in the last base pair of coding exon 1, which makes it likely to have some effect on normal mRNA splicing. This nucleotide position is highly conserved in available vertebrate species. In silico splice site analysis predicts that this alteration will not have any significant effect on splicing. This amino acid position is highly conserved in available vertebrate species. In addition, as a missense substitution, the in silico prediction for this alteration is inconclusive. Based on the available evidence, the clinical significance of this variant remains unclear.

Color Diagnostics, LLC DBA Color Health
Classification: Uncertain significance for Hereditary cancer-predisposing syndrome. Last evaluated: 2019-05-31. Review status: criteria provided, single submitter. Criteria: ACMG Guidelines, 2015. Collection method: clinical testing. Allele origin: germline.

Literature cited by the submitters: PubMed 17576681 (cited by Labcorp Genetics (formerly Invitae), Labcorp); PubMed 9536098 (cited by Labcorp Genetics (formerly Invitae), Labcorp).

NM_000535.7(PMS2):c.23G>A (p.Ser8Asn)

Gene: PMS2 (PMS1 homolog 2, mismatch repair system component; minus strand). Cytogenetic location: 7p22.1.
Variant type: single nucleotide variant.
Coding change: c.23G>A on transcript NM_000535.7 (MANE Select); coding-DNA position 23, G replaced by A.
Protein change: p.Ser8Asn; replaces serine 8 with asparagine.
Molecular consequence: missense variant. On other transcripts: 5 prime UTR variant (11), non-coding transcript variant (1).
Genome position (GRCh38, 1-based): chr7:6,008,997, C>T on the plus strand (G>A on the coding strand, the complement: PMS2 is on the minus strand). VCF-style: chr7-6008997-C-T. GRCh37 (hg19) VCF-style: chr7-6048628-C-T.
Other names: c.-193G>A (NM_001322007.2); c.-53G>A (NM_001322008.2); c.-378G>A (NM_001322003.2, NM_001322013.2); c.-243G>A (NM_001322004.2, NM_001322010.2); c.-573G>A (NM_001322005.2); c.23G>A, p.Ser8Asn (NM_001322006.2, NM_001322014.2); c.-568G>A (NM_001322009.2); c.-862G>A (NM_001322011.2); and 2 more; short protein forms S8N.
Identifiers: ClinVar variation 577109 (VCV000577109.14), dbSNP rs1352544158, ClinGen allele CA366745218.